The following is an entry in ClinVar:

ClinVar aggregate classification (germline): Uncertain significance (1 of 4 stars; one submission).

Conditions:
Jeune thoracic dystrophy. Also called: Jeune syndrome; Infantile thoracic dystrophy; Thoracic pelvic phalangeal dystrophy; Jeune's syndrome; Chondroectodermal dysplasia-like syndrome; Short-rib thoracic dysplasia. Identifiers: Orphanet 474, MedGen C0265275, MONDO:0018770.
Asphyxiating thoracic dystrophy 2 (SRTD2). Also called: SHORT-RIB THORACIC DYSPLASIA 2 WITH OR WITHOUT POLYDACTYLY; SHORT-RIB THORACIC DYSPLASIA 2 WITH POLYDACTYLY; SHORT-RIB THORACIC DYSPLASIA 2 WITHOUT POLYDACTYLY. Identifiers: Orphanet 474, MedGen C1970005, MONDO:0012644, OMIM 611263.

Allele frequency attached by ClinVar (database versions not stated): gnomAD 0.00002; TOPMed 0.00006.
gnomAD v4.1: 10 of 1,602,184 alleles (0.00062%); highest among the groups gnomAD compares: Admixed American, 0.0034%; no homozygotes.

Submission:

Labcorp Genetics (formerly Invitae), Labcorp
Classification: Uncertain significance for Jeune thoracic dystrophy. Last evaluated: 2023-12-11. Review status: criteria provided, single submitter. Criteria: Invitae Variant Classification Sherloc (09022015). Collection method: clinical testing. Allele origin: germline.
Comment: This sequence change replaces leucine, which is neutral and non-polar, with histidine, which is basic and polar, at codon 742 of the IFT80 protein (p.Leu742His). This variant is present in population databases (no rsID available, gnomAD 0.1%). This variant has not been reported in the literature in individuals affected with IFT80-related conditions. ClinVar contains an entry for this variant (Variation ID: 960108). An algorithm developed to predict the effect of missense changes on protein structure and function (PolyPhen-2) suggests that this variant is likely to be disruptive. In summary, the available evidence is currently insufficient to determine the role of this variant in disease. Therefore, it has been classified as a Variant of Uncertain Significance.

NM_020800.3(IFT80):c.2225T>A (p.Leu742His)

Genes: TRIM59-IFT80 (TRIM59-IFT80 readthrough (NMD candidate); minus strand), IFT80 (intraflagellar transport 80; minus strand). Cytogenetic location: 3q25.33.
Variant type: single nucleotide variant.
Coding change: c.2225T>A on transcript NM_020800.3 (MANE Select); coding-DNA position 2225, T replaced by A.
Protein change: p.Leu742His; replaces leucine 742 with histidine.
Molecular consequence: missense variant. On other transcripts: non-coding transcript variant (3).
Genome position (GRCh38, 1-based): chr3:160,258,634, A>T on the plus strand (T>A on the coding strand, the complement: IFT80 is on the minus strand). VCF-style: chr3-160258634-A-T. GRCh37 (hg19) VCF-style: chr3-159976422-A-T.
Other names: c.1814T>A, p.Leu605His (NM_001190241.2, NM_001190242.2); short protein forms L605H, L742H.
Identifiers: ClinVar variation 960108 (VCV000960108.11), dbSNP rs763284318, ClinGen allele CA355249783.